The following is an entry in ClinVar:

ClinVar aggregate classification (germline): Conflicting classifications of pathogenicity. Review status: criteria provided, conflicting classifications (1 of 4 stars). 9 submissions from 8 submitters: Uncertain significance (3); Benign (1); Likely benign (5). Last evaluated 2026-09-17.

Conditions:
Inborn genetic diseases. Identifiers: MedGen C0950123, MeSH D030342.
Branchiootic syndrome 1 (BOS1). Also called: BO SYNDROME 1; BRANCHIOOTIC DYSPLASIA. Identifiers: MedGen C1865143, MONDO:0011258, OMIM 602588.
Otofaciocervical syndrome 1 (OTFCS). Identifiers: MedGen C3714941, MONDO:0024532, OMIM 166780.
Melnick-Fraser syndrome (BOR). Also called: Branchio-oto-renal syndrome; Branchiootorenal Syndrome (BORS); Branchiootorenal syndrome. Identifiers: Orphanet 107, MedGen C0265234, MONDO:0007029.
EYA1-related disorder. Also called: EYA1-related condition.

Allele frequency attached by ClinVar (database versions not stated): ExAC 0.00007; gnomAD exomes 0.00007; TOPMed 0.00008; gnomAD 0.00011; ESP Exome Variant Server 0.00015.
gnomAD v4.1: 129 of 1,614,108 alleles (0.008%); highest among the groups gnomAD compares: Non-Finnish European, 0.011%; no homozygotes.

Submissions (9):

PreventionGenetics, part of Exact Sciences
Classification: Uncertain significance for EYA1-related condition. Last evaluated: 2026-09-17. Review status: criteria provided, single submitter. Criteria: ACMG Guidelines, 2015. Collection method: clinical testing. Allele origin: germline.
Comment: The EYA1 c.325T>C variant is predicted to result in the amino acid substitution p.Tyr109His. To our knowledge, this variant has not been reported in the literature. This variant is reported in 0.021% of alleles in individuals of European (Non-Finnish) descent in gnomAD. Although we suspect that this variant may be benign, at this time, the clinical significance of this variant is uncertain due to the absence of conclusive functional and genetic evidence.

CeGaT Center for Human Genetics Tuebingen
Classification: Likely benign. Last evaluated: 2026-08-01. Review status: criteria provided, single submitter. Criteria: CeGaT Center For Human Genetics Tuebingen Variant Classification Criteria Version 2. Collection method: clinical testing. Allele origin: germline. Affected: yes. Observed: 2 variant alleles.
Comment: EYA1: PP3, BS1

Ambry Genetics
Classification: Uncertain significance for Inborn genetic diseases. Last evaluated: 2026-02-25. Review status: criteria provided, single submitter. Criteria: Ambry Variant Classification Scheme 2023. Collection method: clinical testing. Allele origin: germline.
Comment: The c.325T>C (p.Y109H) alteration is located in exon 6 (coding exon 4) of the EYA1 gene. This alteration results from a T to C substitution at nucleotide position 325, causing the tyrosine (Y) at amino acid position 109 to be replaced by a histidine (H). Based on data from gnomAD, the C allele has an overall frequency of 0.01% (28/282846) total alleles studied. The highest observed frequency was 0.021% (27/129150) of European (non-Finnish) alleles. Based on insufficient or conflicting evidence, the clinical significance of this alteration remains unclear.

Labcorp Genetics (formerly Invitae), Labcorp
Classification: Likely benign for Melnick-Fraser syndrome. Last evaluated: 2025-11-01. Review status: criteria provided, single submitter. Criteria: Invitae Variant Classification Sherloc (09022015). Collection method: clinical testing. Allele origin: germline.

Laboratory of Genetics, Children's Clinical University Hospital Latvia
Classification: Benign. Last evaluated: 2025-02-16. Review status: criteria provided, single submitter. Criteria: ACMG Guidelines, 2015. Collection method: clinical testing. Allele origin: germline. Affected: yes.

GeneDx
Classification: Likely benign. Last evaluated: 2023-05-12. Review status: criteria provided, single submitter. Criteria: GeneDx Variant Classification Process June 2021. Collection method: clinical testing. Allele origin: germline. Affected: yes.
Comment: See Variant Classification Assertion Criteria.

Illumina Laboratory Services, Illumina
Classification: Likely benign for Otofaciocervical syndrome 1. Last evaluated: 2018-01-13. Review status: criteria provided, single submitter. Criteria: ICSL Variant Classification Criteria 13 December 2019. Collection method: clinical testing. Allele origin: germline.
Comment: This variant was observed in the ICSL laboratory as part of a predisposition screen in an ostensibly healthy population. It had not been previously curated by ICSL or reported in the Human Gene Mutation Database (HGMD: prior to June 1st, 2018), and was therefore a candidate for classification through an automated scoring system. Utilizing variant allele frequency, disease prevalence and penetrance estimates, and inheritance mode, an automated score was calculated to assess if this variant is too frequent to cause the disease. Based on the score and internal cut-off values, a variant classified as likely benign is not then subjected to further curation. The score for this variant resulted in a classification of likely benign for this disease.

Illumina Laboratory Services, Illumina
Classification: Likely benign for Branchiootic syndrome. Last evaluated: 2018-01-13. Review status: criteria provided, single submitter. Criteria: ICSL Variant Classification Criteria 13 December 2019. Collection method: clinical testing. Allele origin: germline.
Comment: the same text as in the submission from Illumina Laboratory Services, Illumina above.

Eurofins Ntd Llc (ga)
Classification: Uncertain significance. Last evaluated: 2017-11-02. Review status: criteria provided, single submitter. Criteria: EGL Classification Definitions 2015. Collection method: clinical testing. Allele origin: germline. Observed: 1 variant allele, 1 heterozygote.

NM_000503.6(EYA1):c.325T>C (p.Tyr109His)

Gene: EYA1 (EYA transcriptional coactivator and phosphatase 1; minus strand). Cytogenetic location: 8q13.3.
Variant type: single nucleotide variant.
Coding change: c.325T>C on transcript NM_000503.6 (MANE Select); coding-DNA position 325, T replaced by C.
Protein change: p.Tyr109His; replaces tyrosine 109 with histidine.
Molecular consequence: missense variant. On other transcripts: intron variant (1).
Genome position (GRCh38, 1-based): chr8:71,321,827, A>G on the plus strand (T>C on the coding strand, the complement: EYA1 is on the minus strand). VCF-style: chr8-71321827-A-G. GRCh37 (hg19) VCF-style: chr8-72234062-A-G.
Other names: c.322T>C, p.Tyr108His (NM_001288574.2); c.412T>C, p.Tyr138His (NM_001370333.1, NM_172059.5); c.325T>C, p.Tyr109His (NM_001370334.1, NM_001370335.1, NM_172058.4); c.409T>C, p.Tyr137His (NM_001370336.1); c.-12-15T>C (NM_001288575.2); c.325T>C (NM_172058.3); short protein forms Y109H, Y137H, Y108H, Y138H.
Identifiers: ClinVar variation 363661 (VCV000363661.25), dbSNP rs141779040, ClinGen allele CA4779810.
Genomic context (GRCh38, chr8:71,321,827, plus strand): 5'-GTGGGTACGTGGCATAGGCTGTAGCTTGTTGCATTCCTGTGGTAAACTGTGTTTGCCCAT[A>G]TGCAGCCATAGTTTGTGAGGAAGGGGTAGGGAGAATATGTGGGTATGGTCTGCTATTTGT-3'
Protein context (NP_000494.2, residues 99-119): PTPSSQTMAA[Tyr109His]GQTQFTTGMQ